The following is an entry in ClinVar:

ClinVar aggregate classification (germline): Conflicting classifications of pathogenicity. Review status: criteria provided, conflicting classifications (1 of 4 stars). 5 submissions from 5 submitters: Uncertain significance (1); Benign (1); Likely benign (2). 1 of the submissions does not count toward it. Last evaluated 2026-01-24.

Conditions:
Trimethylaminuria (TMAU). Also called: FISH-ODOR SYNDROME; Fish malodor syndrome; Stale fish syndrome; TMAuria; Primary Trimethylaminuria. Identifiers: MedGen C0342739, MONDO:0011182, OMIM 602079, HP:0003614. Disease mechanism: loss of function.
FMO3-related disorder. Also called: FMO3-related condition.

Allele frequency attached by ClinVar (database versions not stated): gnomAD 0.00029 and 0.00039; TOPMed 0.00058; ExAC 0.00066; gnomAD exomes 0.00076; 1000 Genomes Project 0.00160; 1000 Genomes Project 30x 0.00203.
gnomAD v4.1: 355 of 1,613,180 alleles (0.022%); highest among the groups gnomAD compares: East Asian, 0.71%; 4 homozygotes.

Submissions (6):

Labcorp Genetics (formerly Invitae), Labcorp
Classification: Benign. Last evaluated: 2026-01-24. Review status: criteria provided, single submitter. Criteria: Invitae Variant Classification Sherloc (09022015). Collection method: clinical testing. Allele origin: germline.

Mendelics
Classification: Likely benign for Trimethylaminuria. Last evaluated: 2023-06-19. Review status: criteria provided, single submitter. Criteria: Mendelics Assertion Criteria 2019. Collection method: clinical testing. Allele origin: germline.

Women's Health and Genetics/Laboratory Corporation of America, LabCorp
Classification: Likely benign. Last evaluated: 2023-02-16. Review status: criteria provided, single submitter. Criteria: LabCorp Variant Classification Summary - May 2015. Collection method: clinical testing. Allele origin: germline.
Comment: Variant summary: FMO3 c.341A>G (p.Asn114Ser) results in a conservative amino acid change in the encoded protein sequence. Five of five in-silico tools predict a benign effect of the variant on protein function. The variant allele was found at a frequency of 0.00076 in 250762 control chromosomes, predominantly at a frequency of 0.01 within the East Asian subpopulation in the gnomAD database, including 3 homozygotes. The observed variant frequency within East Asian control individuals in the gnomAD database is approximately 2-fold of the estimated maximal expected allele frequency for a pathogenic variant in FMO3 causing Trimethylaminuria phenotype (0.0056), strongly suggesting that the variant is a benign polymorphism found primarily in populations of East Asian origin. The variant has also been found at a frequency of 0.014 in the Vietnamese human genetic variation database (Le_2019). c.341A>G has been reported in the literature in at least one Japanese individual with low FMO3 metabolic capacity among a cohort of individuals with self-reported Trimethylaminuria (e.g. Shimizu_2007). This report does not provide unequivocal conclusions about association of the variant with Trimethylaminuria. To our knowledge, no experimental evidence demonstrating an impact on protein function has been reported. Three submitters have provided clinical-significance assessments for this variant to ClinVar after 2014 without evidence for independent evaluation. One laboratory classified the variant as pathogenic, one laboratory classified the variant as benign, and a third laboratory classified the variant as uncertain significance. Based on the evidence outlined above, the variant was classified as likely benign.

Illumina Laboratory Services, Illumina
Classification: Uncertain significance for Trimethylaminuria. Last evaluated: 2017-04-27. Review status: criteria provided, single submitter. Criteria: ICSL Variant Classification Criteria 13 December 2019. Collection method: clinical testing. Allele origin: germline.

PreventionGenetics, part of Exact Sciences
Classification: Likely benign for FMO3-related condition. Last evaluated: 2020-04-20. Review status: no assertion criteria provided. Collection method: clinical testing. Allele origin: germline. Not counted in ClinVar's aggregate classification.
Comment: This variant is classified as likely benign based on ACMG/AMP sequence variant interpretation guidelines (Richards et al. 2015 PMID: 25741868, with internal and published modifications).

Dr. Peter K. Rogan Lab, Western University
No classification provided (evidence only). Condition: Malignant tumor of esophagus. Review status: no classification provided. Collection method: in vitro. Allele origin: not applicable. Functional consequence: retained intron. Not counted in ClinVar's aggregate classification.

Literature cited by the submitters: PubMed 31180159 (cited by Women's Health and Genetics/Laboratory Corporation of America, LabCorp); PubMed 17329912 (cited by Women's Health and Genetics/Laboratory Corporation of America, LabCorp).

NM_001002294.3(FMO3):c.341A>G (p.Asn114Ser)

Gene: FMO3 (flavin containing dimethylaniline monoxygenase 3; plus strand). Cytogenetic location: 1q24.3.
Variant type: single nucleotide variant.
Coding change: c.341A>G on transcript NM_001002294.3 (MANE Select); coding-DNA position 341, A replaced by G.
Protein change: p.Asn114Ser; replaces asparagine 114 with serine.
Molecular consequence: missense variant.
Genome position (GRCh38, 1-based): chr1:171,107,694, A>G. VCF-style: chr1-171107694-A-G. GRCh37 (hg19) VCF-style: chr1-171076835-A-G.
Other names: c.341A>G (NM_001002294.2); c.281A>G, p.Asn94Ser (NM_001319173.2); c.152A>G, p.Asn51Ser (NM_001319174.2); c.341A>G, p.Asn114Ser (NM_006894.6); short protein forms N114S, N51S, N94S.
Identifiers: ClinVar variation 875849 (VCV000875849.14), dbSNP rs186763441, ClinGen allele CA1240517.